The following is an entry in ClinVar:

NM_004320.6(ATP2A1):c.919A>G (p.Ile307Val)

Gene: ATP2A1 (ATPase sarcoplasmic/endoplasmic reticulum Ca2+ transporting 1; plus strand). Cytogenetic location: 16p11.2.
Variant type: single nucleotide variant.
Coding change: c.919A>G on transcript NM_004320.6 (MANE Select); coding-DNA position 919, A replaced by G.
Protein change: p.Ile307Val; replaces isoleucine 307 with valine.
Molecular consequence: missense variant.
Genome position (GRCh38, 1-based): chr16:28,887,713, A>G. VCF-style: chr16-28887713-A-G. GRCh37 (hg19) VCF-style: chr16-28899034-A-G.
Other names: c.919A>G, p.Ile307Val (NM_173201.5); c.544A>G, p.Ile182Val (NM_001286075.2); short protein forms I182V, I307V.
Identifiers: ClinVar variation 1465730 (VCV001465730.3), dbSNP rs2152204093, ClinGen allele CA395404241.

ClinVar aggregate classification (germline): Uncertain significance (1 of 4 stars; one submission).

Conditions:
Brody myopathy. Also called: BRODY DISEASE. Identifiers: Orphanet 53347, MedGen C1832918, MONDO:0010977, OMIM 601003.

gnomAD v4.1: 1 of 1,613,994 alleles (0.000062%); highest among the groups gnomAD compares: Non-Finnish European, 0.000085%; no homozygotes.

Submission:

Labcorp Genetics (formerly Invitae), Labcorp
Classification: Uncertain significance for Brody myopathy. Last evaluated: 2022-08-15. Review status: criteria provided, single submitter. Criteria: Invitae Variant Classification Sherloc (09022015). Collection method: clinical testing. Allele origin: germline.
Comment: This sequence change replaces isoleucine, which is neutral and non-polar, with valine, which is neutral and non-polar, at codon 307 of the ATP2A1 protein (p.Ile307Val). This variant is not present in population databases (gnomAD no frequency). This variant has not been reported in the literature in individuals affected with ATP2A1-related conditions. ClinVar contains an entry for this variant (Variation ID: 1465730). Algorithms developed to predict the effect of missense changes on protein structure and function are either unavailable or do not agree on the potential impact of this missense change (SIFT: "Deleterious"; PolyPhen-2: "Probably Damaging"; Align-GVGD: "Class C0"). In summary, the available evidence is currently insufficient to determine the role of this variant in disease. Therefore, it has been classified as a Variant of Uncertain Significance.